The following is an entry in ClinVar:

NM_000090.4(COL3A1):c.3114C>T (p.Gly1038=)

Gene: COL3A1 (collagen type III alpha 1 chain; plus strand). Cytogenetic location: 2q32.2.
Variant type: single nucleotide variant.
Coding change: c.3114C>T on transcript NM_000090.4 (MANE Select); coding-DNA position 3114, C replaced by T.
Protein change: p.Gly1038=; no amino-acid change (glycine 1038 retained).
Molecular consequence: synonymous variant.
Genome position (GRCh38, 1-based): chr2:189,006,365, C>T. VCF-style: chr2-189006365-C-T. GRCh37 (hg19) VCF-style: chr2-189871091-C-T.
Identifiers: ClinVar variation 921173 (VCV000921173.14), dbSNP rs982248094, ClinGen allele CA62559316.

ClinVar aggregate classification (germline): Likely benign. Review status: criteria provided, multiple submitters, no conflicts (2 of 4 stars). 5 submissions from 5 submitters: Likely benign (5). Last evaluated 2025-05-25.

Conditions:
Ehlers-Danlos syndrome, type 4 (EDSVASC). Also called: Ehlers-Danlos Syndrome Type IV; Ehlers-Danlos syndrome vascular type; Ehlers Danlos syndrome, ecchymotic type; Ehlers Danlos syndrome, arterial type; Ehlers Danlos syndrome, Sack-Barabas type. Identifiers: Orphanet 286, MedGen C0268338, MONDO:0017314, OMIM 130050.
Familial thoracic aortic aneurysm and aortic dissection (TAAD). Also called: Thoracic aortic aneurysms and dissections. Identifiers: Orphanet 91387, MedGen C4707243, MONDO:0019625.

Allele frequency attached by ClinVar (database versions not stated): gnomAD 0.00001; TOPMed 0.00001.
gnomAD v4.1: 3 of 1,614,048 alleles (0.00019%); highest among the groups gnomAD compares: Non-Finnish European, 0.000085%; no homozygotes.

Submissions (5):

Labcorp Genetics (formerly Invitae), Labcorp
Classification: Likely benign for Ehlers-Danlos syndrome, type 4. Last evaluated: 2025-05-25. Review status: criteria provided, single submitter. Criteria: Invitae Variant Classification Sherloc (09022015). Collection method: clinical testing. Allele origin: germline.

Ambry Genetics
Classification: Likely benign for Familial thoracic aortic aneurysm and aortic dissection. Last evaluated: 2025-05-18. Review status: criteria provided, single submitter. Criteria: Ambry Variant Classification Scheme 2023. Collection method: clinical testing. Allele origin: germline.

Blueprint Genetics
Classification: Likely benign. Last evaluated: 2024-06-08. Review status: criteria provided, single submitter. Criteria: ACMG Guidelines, 2015. Collection method: clinical testing. Allele origin: germline.

All of Us Research Program, National Institutes of Health
Classification: Likely benign for Ehlers-Danlos syndrome, type 4. Last evaluated: 2023-05-31. Review status: criteria provided, single submitter. Criteria: ACMG Guidelines, 2015. Collection method: clinical testing. Allele origin: germline. Inheritance: Autosomal dominant inheritance. Observed: 1 variant allele, 1 heterozygote.
Comment: This study involves interpretation of variants in research participants for the purpose of population health screening. Participant phenotype was not available at the time of variant classification. Additional details can be found in publication PMID: 35346344, PMCID: PMC8962531

Color Diagnostics, LLC DBA Color Health
Classification: Likely benign for Familial thoracic aortic aneurysm and aortic dissection. Last evaluated: 2019-04-20. Review status: criteria provided, single submitter. Criteria: ACMG Guidelines, 2015. Collection method: clinical testing. Allele origin: germline.